The following is an entry in ClinVar:

NM_015978.3(TNNI3K):c.2221_2222dup (p.Pro742fs)

Genes: FPGT-TNNI3K (FPGT-TNNI3K readthrough; plus strand), LRRC53 (leucine rich repeat containing 53; minus strand), TNNI3K (TNNI3 interacting kinase; plus strand). Cytogenetic location: 1p31.1.
Variant type: Microsatellite.
Coding change: c.2221_2222dup on transcript NM_015978.3 (MANE Select); coding-DNA positions 2221 to 2222, 2 bases duplicated (TC; older notation c.2221_2222dupTC).
Protein change: p.Pro742fs; shifts the reading frame from proline 742.
Molecular consequence: frameshift variant. On other transcripts: intron variant (2).
Genome position (GRCh38, 1-based): chr1:74,492,136-74,492,137, TC duplicated; duplicating any 2 consecutive bases within chr1:74,492,130-74,492,137 gives the same sequence; the c. name uses the placement nearest the transcript's 3' end. VCF-style (leftmost placement, unchanged base first): chr1-74492129-G-GTC. GRCh37 (hg19) VCF-style: chr1-74957813-G-GTC.
Other names: c.2524_2525dup, p.Pro843fs (NM_001112808.3); c.-8-11169GA[5] (NM_001364666.2); c.-26-8762GA[5] (NM_001382280.1); short protein forms P742fs, P843fs.
Identifiers: ClinVar variation 2830775 (VCV002830775.3), dbSNP rs2524981632, ClinGen allele CA2739272628.

ClinVar aggregate classification (germline): Uncertain significance (1 of 4 stars; one submission).

Submission:

Labcorp Genetics (formerly Invitae), Labcorp
Classification: Uncertain significance. Last evaluated: 2023-01-21. Review status: criteria provided, single submitter. Criteria: Invitae Variant Classification Sherloc (09022015). Collection method: clinical testing. Allele origin: germline.
Comment: In summary, the available evidence is currently insufficient to determine the role of this variant in disease. Therefore, it has been classified as a Variant of Uncertain Significance. This variant has not been reported in the literature in individuals affected with TNNI3K-related conditions. This variant is not present in population databases (gnomAD no frequency). This sequence change creates a premature translational stop signal (p.Pro742Hisfs*10) in the TNNI3K gene. It is expected to result in an absent or disrupted protein product. However, the current clinical and genetic evidence is not sufficient to establish whether loss-of-function variants in TNNI3K cause disease.